The following is an entry in ClinVar:

ClinVar aggregate classification (germline): Benign/Likely benign. Review status: criteria provided, multiple submitters, no conflicts (2 of 4 stars). 8 submissions from 8 submitters: Benign (2); Likely benign (5). 1 of the submissions does not count toward it. Last evaluated 2026-08-01.

Conditions:
SMCHD1-related disorder. Also called: SMCHD1-related condition.
Facioscapulohumeral muscular dystrophy 2 (FSHD2). Also called: FACIOSCAPULOHUMERAL MUSCULAR DYSTROPHY 2, DIGENIC; FSHD2, DIGENIC; MUSCULAR DYSTROPHY, FACIOSCAPULOHUMERAL, TYPE 1B. Identifiers: Orphanet 269, MedGen C1834671, MONDO:0008031, OMIM 158901.

Allele frequency attached by ClinVar (database versions not stated): gnomAD exomes 0.00013 and 0.00030; ExAC 0.00035; 1000 Genomes Project 30x 0.00141; ESP Exome Variant Server 0.00142; gnomAD 0.00143 and 0.00153; 1000 Genomes Project 0.00160; TOPMed 0.00164.
gnomAD v4.1: 413 of 1,609,070 alleles (0.026%); highest among the groups gnomAD compares: African/African-American, 0.47%; no homozygotes.

Submissions (9):

CeGaT Center for Human Genetics Tuebingen
Classification: Likely benign. Last evaluated: 2026-08-01. Review status: criteria provided, single submitter. Criteria: CeGaT Center For Human Genetics Tuebingen Variant Classification Criteria Version 2. Collection method: clinical testing. Allele origin: germline. Affected: yes. Observed: 1 variant allele.
Comment: SMCHD1: BP4

Labcorp Genetics (formerly Invitae), Labcorp
Classification: Likely benign for Facioscapulohumeral muscular dystrophy 2. Last evaluated: 2026-01-18. Review status: criteria provided, single submitter. Criteria: Invitae Variant Classification Sherloc (09022015). Collection method: clinical testing. Allele origin: germline.

Blueprint Genetics
Classification: Likely benign. Last evaluated: 2024-10-29. Review status: criteria provided, single submitter. Criteria: ACMG Guidelines, 2015. Collection method: clinical testing. Allele origin: germline.

GeneDx
Classification: Benign. Last evaluated: 2021-09-28. Review status: criteria provided, single submitter. Criteria: GeneDx Variant Classification Process June 2021. Collection method: clinical testing. Allele origin: germline. Affected: yes.

Eurofins Ntd Llc (ga)
Classification: Likely benign. Last evaluated: 2018-09-04. Review status: criteria provided, single submitter. Criteria: EGL ClinVar v180209 classification definitions. Collection method: clinical testing. Allele origin: germline. Observed: 4 variant alleles, 4 heterozygotes.

Athena Diagnostics
Classification: Benign. Last evaluated: 2017-05-05. Review status: criteria provided, single submitter. Criteria: Athena Diagnostics Criteria. Collection method: clinical testing. Allele origin: germline.

Breakthrough Genomics
Classification: Likely benign. Review status: criteria provided, single submitter. Criteria: ACMG Guidelines, 2015. Collection method: not provided. Allele origin: germline. Inheritance: Autosomal dominant inheritance. Affected: yes.

PreventionGenetics, part of Exact Sciences
Classification: Likely benign for SMCHD1-related condition. Last evaluated: 2019-04-10. Review status: no assertion criteria provided. Collection method: clinical testing. Allele origin: germline. Not counted in ClinVar's aggregate classification.
Comment: This variant is classified as likely benign based on ACMG/AMP sequence variant interpretation guidelines (Richards et al. 2015 PMID: 25741868, with internal and published modifications).

Dr. Peter K. Rogan Lab, Western University
No classification provided (evidence only). Condition: Ovarian serous cystadenocarcinoma. Review status: no classification provided. Collection method: in vitro. Allele origin: not applicable. Functional consequence: retained intron. Not counted in ClinVar's aggregate classification.

NM_015295.3(SMCHD1):c.2913+6C>G

Gene: SMCHD1 (structural maintenance of chromosomes flexible hinge domain containing 1; plus strand). Cytogenetic location: 18p11.32.
Variant type: single nucleotide variant.
Coding change: c.2913+6C>G on transcript NM_015295.3 (MANE Select); 6 bases into the intron after coding-DNA position 2913, C replaced by G.
Molecular consequence: intron variant.
Genome position (GRCh38, 1-based): chr18:2,728,602, C>G. VCF-style: chr18-2728602-C-G. GRCh37 (hg19) VCF-style: chr18-2728600-C-G.
Identifiers: ClinVar variation 284492 (VCV000284492.23), dbSNP rs186678728, ClinGen allele CA8871082.